The following is an entry in ClinVar:

NM_001184900.3(CARD8):c.632T>G (p.Phe211Cys)

Gene: CARD8 (caspase recruitment domain family member 8; minus strand). Cytogenetic location: 19q13.33.
Variant type: single nucleotide variant.
Coding change: c.632T>G on transcript NM_001184900.3 (MANE Select); coding-DNA position 632, T replaced by G.
Protein change: p.Phe211Cys; replaces phenylalanine 211 with cysteine.
Molecular consequence: missense variant. On other transcripts: non-coding transcript variant (4).
Genome position (GRCh38, 1-based): chr19:48,230,917, A>C on the plus strand (T>G on the coding strand, the complement: CARD8 is on the minus strand). VCF-style: chr19-48230917-A-C. GRCh37 (hg19) VCF-style: chr19-48734174-A-C.
Other names: c.482T>G, p.Phe161Cys (NM_001184901.1, NM_001351783.2, NM_001351788.2 and 2 more transcripts); c.632T>G, p.Phe211Cys (NM_001184902.2, NM_001184903.1, NM_001351782.2); c.317T>G, p.Phe106Cys (NM_001351784.2, NM_001351787.2, NM_001351791.2 and 2 more transcripts); c.296T>G, p.Phe99Cys (NM_001351786.2); c.389T>G, p.Phe130Cys (NM_001351790.2); short protein forms F106C, F130C, F161C, F211C, F99C.
Identifiers: ClinVar variation 4850978 (VCV004850978.1).

ClinVar aggregate classification (germline): Likely benign (1 of 4 stars; one submission).

Conditions:
Inflammatory bowel disease 30. Also called: INFLAMMATORY BOWEL DISEASE (CROHN DISEASE) 30. Identifiers: MedGen C5436750, MONDO:0033643, OMIM 619079.

Submission:

Centre for Medical Genetics,  Mumbai
Classification: Likely benign for Inflammatory bowel disease 30. Last evaluated: 2026-04-06. Review status: criteria provided, single submitter. Criteria: ACMG Guidelines, 2015. Collection method: provider interpretation. Allele origin: germline. Inheritance: Autosomal dominant inheritance. Affected: no. Observed: 1 variant allele, 1 heterozygote.
Comment: The variant satisfies PM2 criteria; Extremely low frequency in gnomAD population databases. The variant satisfies BP4 criteria; For a missense or a splice region variant, computational prediction tools unanimously support a benign effect on the gene. However, the variant satisfies BS2 criteria.

Literature cited by the submitters: PubMed 29408806.